The following is an entry in ClinVar:

NM_001244008.2(KIF1A):c.3202G>T (p.Ala1068Ser)

Gene: KIF1A (kinesin family member 1A; minus strand). Cytogenetic location: 2q37.3.
Variant type: single nucleotide variant.
Coding change: c.3202G>T on transcript NM_001244008.2 (MANE Select); coding-DNA position 3202, G replaced by T.
Protein change: p.Ala1068Ser; replaces alanine 1068 with serine.
Molecular consequence: missense variant.
Genome position (GRCh38, 1-based): chr2:240,746,039, C>A on the plus strand (G>T on the coding strand, the complement: KIF1A is on the minus strand). VCF-style: chr2-240746039-C-A. GRCh37 (hg19) VCF-style: chr2-241685456-C-A.
Other names: c.2926G>T, p.Ala976Ser (NM_001320705.2, NM_001330289.2, NM_001379638.1); c.3001G>T, p.Ala1001Ser (NM_001330290.2, NM_001379634.1, NM_001379635.1 and 1 more transcripts); c.3277G>T, p.Ala1093Ser (NM_001379631.1); c.3151G>T, p.Ala1051Ser (NM_001379632.1); c.3175G>T, p.Ala1059Ser (NM_001379633.1, NM_001379642.1, NM_001379645.1); c.2899G>T, p.Ala967Ser (NM_001379636.1, NM_001379639.1, NM_001379641.1 and 6 more transcripts); c.2974G>T, p.Ala992Ser (NM_001379637.1, NM_001379648.1); c.2899G>T, p.Val967Leu (NM_001379640.1); short protein forms A1051S, A1059S, A1068S, A1093S, A967S, A976S, A992S, V967L.
Identifiers: ClinVar variation 2949988 (VCV002949988.3), dbSNP rs2537297044, ClinGen allele CA351318743.

ClinVar aggregate classification (germline): Uncertain significance (1 of 4 stars; one submission).

Conditions:
Neuropathy, hereditary sensory, type 2C. Also called: KIF1A-Related HSAN2 (HSAN2C); Hereditary sensory and autonomic neuropathy type IIC. Identifiers: Orphanet 970, MedGen C3280168, MONDO:0013634, OMIM 614213.
Hereditary spastic paraplegia 30. Identifiers: Orphanet 101010, MedGen C5235139, MONDO:0012476.
Intellectual disability, autosomal dominant 9 (NESCAVS). Also called: NESCAV SYNDROME; KIF1A-Related Neurodevelopmental Disorder. Identifiers: Orphanet 662367, MedGen C5393830, MONDO:0013656, OMIM 614255.

Allele frequency attached by ClinVar (database versions not stated): gnomAD exomes below 0.00001.
gnomAD v4.1: 1 of 1,607,808 alleles (0.000062%); highest among the groups gnomAD compares: East Asian, 0.0022%; no homozygotes.

Submission:

Labcorp Genetics (formerly Invitae), Labcorp
Classification: Uncertain significance for Hereditary spastic paraplegia 30; Neuropathy, hereditary sensory, type 2C; Intellectual disability, autosomal dominant 9. Last evaluated: 2023-07-17. Review status: criteria provided, single submitter. Criteria: Invitae Variant Classification Sherloc (09022015). Collection method: clinical testing. Allele origin: germline.
Comment: In summary, the available evidence is currently insufficient to determine the role of this variant in disease. Therefore, it has been classified as a Variant of Uncertain Significance. Variants that disrupt the consensus splice site are a relatively common cause of aberrant splicing (PMID: 17576681, 9536098). This sequence change replaces alanine, which is neutral and non-polar, with serine, which is neutral and polar, at codon 967 of the KIF1A protein (p.Ala967Ser). This variant also falls at the last nucleotide of exon 27, which is part of the consensus splice site for this exon. This variant is not present in population databases (gnomAD no frequency). This variant has not been reported in the literature in individuals affected with KIF1A-related conditions. An algorithm developed to predict the effect of missense changes on protein structure and function (PolyPhen-2) suggests that this variant is likely to be tolerated.

Literature cited by the submitters: PubMed 17576681; PubMed 9536098.